The following is an entry in ClinVar:

NM_018685.5(ANLN):c.481A>G (p.Met161Val)

Gene: ANLN (anillin, actin binding protein; plus strand). Cytogenetic location: 7p14.2.
Variant type: single nucleotide variant.
Coding change: c.481A>G on transcript NM_018685.5 (MANE Select); coding-DNA position 481, A replaced by G.
Protein change: p.Met161Val; replaces methionine 161 with valine.
Molecular consequence: missense variant.
Genome position (GRCh38, 1-based): chr7:36,399,387, A>G. VCF-style: chr7-36399387-A-G. GRCh37 (hg19) VCF-style: chr7-36438996-A-G.
Other names: c.481A>G, p.Met161Val (NM_001284301.3, NM_001284302.3); short protein forms M161V.
Identifiers: ClinVar variation 2813381 (VCV002813381.3), dbSNP rs2534498348, ClinGen allele CA367204900.

ClinVar aggregate classification (germline): Uncertain significance (1 of 4 stars; one submission).

Submission:

Labcorp Genetics (formerly Invitae), Labcorp
Classification: Uncertain significance. Last evaluated: 2023-01-20. Review status: criteria provided, single submitter. Criteria: Invitae Variant Classification Sherloc (09022015). Collection method: clinical testing. Allele origin: germline.
Comment: This sequence change replaces methionine, which is neutral and non-polar, with valine, which is neutral and non-polar, at codon 161 of the ANLN protein (p.Met161Val). This variant is not present in population databases (gnomAD no frequency). This variant has not been reported in the literature in individuals affected with ANLN-related conditions. Algorithms developed to predict the effect of missense changes on protein structure and function output the following: SIFT: "Tolerated"; PolyPhen-2: "Benign"; Align-GVGD: "Class C0". The valine amino acid residue is found in multiple mammalian species, which suggests that this missense change does not adversely affect protein function. In summary, the available evidence is currently insufficient to determine the role of this variant in disease. Therefore, it has been classified as a Variant of Uncertain Significance.